The following is an entry in ClinVar:

ClinVar aggregate classification (germline): Uncertain significance (1 of 4 stars; one submission).

Conditions:
Familial cancer of breast. Also called: hereditary breast carcinoma; Hereditary breast cancer; BREAST CANCER, FAMILIAL. Identifiers: Orphanet 227535, MedGen C0346153, MONDO:0016419, OMIM 114480. Disease mechanism: loss of function.

Submission:

Labcorp Genetics (formerly Invitae), Labcorp
Classification: Uncertain significance for Familial cancer of breast. Last evaluated: 2023-07-26. Review status: criteria provided, single submitter. Criteria: Invitae Variant Classification Sherloc (09022015). Collection method: clinical testing. Allele origin: germline.
Comment: Algorithms developed to predict the effect of sequence changes on RNA splicing suggest that this variant may disrupt the consensus splice site. This sequence change falls in intron 3 of the BARD1 gene. It does not directly change the encoded amino acid sequence of the BARD1 protein. This variant is not present in population databases (gnomAD no frequency). This variant has not been reported in the literature in individuals affected with BARD1-related conditions. In summary, the available evidence is currently insufficient to determine the role of this variant in disease. Therefore, it has been classified as a Variant of Uncertain Significance.

NM_000465.4(BARD1):c.365-6T>G

Gene: BARD1 (BRCA1 associated RING domain 1; minus strand). Cytogenetic location: 2q35.
Variant type: single nucleotide variant.
Coding change: c.365-6T>G on transcript NM_000465.4 (MANE Select); 6 bases into the intron before coding-DNA position 365, T replaced by G.
Molecular consequence: intron variant.
Genome position (GRCh38, 1-based): chr2:214,781,515, A>C on the plus strand (T>G on the coding strand, the complement: BARD1 is on the minus strand). VCF-style: chr2-214781515-A-C. GRCh37 (hg19) VCF-style: chr2-215646239-A-C.
Other names: c.158+27897T>G (NM_001282548.2); c.308-6T>G (NM_001282543.2); c.215+15546T>G (NM_001282545.2); c.364+10782T>G (NM_001282549.2).
Identifiers: ClinVar variation 2747321 (VCV002747321.3), dbSNP rs2469514983, ClinGen allele CA2697550343.